The following is an entry in ClinVar:

NM_005548.3(KARS1):c.1186A>G (p.Met396Val)

Gene: KARS1 (lysyl-tRNA synthetase 1; minus strand). Cytogenetic location: 16q23.1.
Variant type: single nucleotide variant.
Coding change: c.1186A>G on transcript NM_005548.3 (MANE Select); coding-DNA position 1186, A replaced by G.
Protein change: p.Met396Val; replaces methionine 396 with valine.
Molecular consequence: missense variant.
Genome position (GRCh38, 1-based): chr16:75,631,482, T>C on the plus strand (A>G on the coding strand, the complement: KARS1 is on the minus strand). VCF-style: chr16-75631482-T-C. GRCh37 (hg19) VCF-style: chr16-75665380-T-C.
Other names: c.1270A>G, p.Met424Val (NM_001130089.2); c.718A>G, p.Met240Val (NM_001378148.1); short protein forms M424V, M240V, M396V.
Identifiers: ClinVar variation 3531795 (VCV003531795.2).

ClinVar aggregate classification (germline): Uncertain significance. Review status: criteria provided, multiple submitters, no conflicts (2 of 4 stars). 2 submissions from 2 submitters: Uncertain significance (2). Last evaluated 2024-09-25.

gnomAD v4.1: 3 of 1,614,200 alleles (0.00019%); highest among the groups gnomAD compares: South Asian, 0.0011%; no homozygotes.

Submissions (2):

GeneDx
Classification: Uncertain significance. Last evaluated: 2024-09-25. Review status: criteria provided, single submitter. Criteria: GeneDx Variant Classification Process June 2021. Collection method: clinical testing. Allele origin: germline. Affected: yes.
Comment: Not observed at significant frequency in large population cohorts (gnomAD); In silico analysis supports that this missense variant has a deleterious effect on protein structure/function; Has not been previously published as pathogenic or benign to our knowledge

Ambry Genetics
Classification: Uncertain significance. Last evaluated: 2024-06-28. Review status: criteria provided, single submitter. Criteria: Ambry Variant Classification Scheme 2023. Collection method: clinical testing. Allele origin: germline.